The following is an entry in ClinVar:

NM_005413.4(SIX3):c.709C>T (p.Arg237Cys)

Gene: SIX3 (SIX homeobox 3; plus strand). Cytogenetic location: 2p21.
Variant type: single nucleotide variant.
Coding change: c.709C>T on transcript NM_005413.4 (MANE Select); coding-DNA position 709, C replaced by T.
Protein change: p.Arg237Cys; replaces arginine 237 with cysteine.
Molecular consequence: missense variant.
Genome position (GRCh38, 1-based): chr2:44,942,813, C>T. VCF-style: chr2-44942813-C-T. GRCh37 (hg19) VCF-style: chr2-45169952-C-T.
Other names: short protein forms R237C.
Identifiers: ClinVar variation 2574208 (VCV002574208.1), dbSNP rs2466514960, ClinGen allele CA346800197.

ClinVar aggregate classification (germline): Uncertain significance (1 of 4 stars; one submission).

Submission:

GeneDx
Classification: Uncertain significance. Last evaluated: 2023-01-31. Review status: criteria provided, single submitter. Criteria: GeneDx Variant Classification Process June 2021. Collection method: clinical testing. Allele origin: germline. Affected: yes.
Comment: Not observed at significant frequency in large population cohorts (gnomAD); In silico analysis supports that this missense variant has a deleterious effect on protein structure/function; Has not been previously published as pathogenic or benign to our knowledge